The following is an entry in ClinVar:

ClinVar aggregate classification (germline): Uncertain significance. Review status: criteria provided, multiple submitters, no conflicts (2 of 4 stars). 4 submissions from 4 submitters: Uncertain significance (3). 1 of the submissions does not count toward it. Last evaluated 2024-08-07.

Conditions:
Proteinuria, chronic benign. Identifiers: MedGen C5394384, MONDO:0030042, OMIM 618884.
Imerslund-Grasbeck syndrome type 1 (IGS1). Also called: Imerslund-Gräsbeck syndrome 1; Megaloblastic anemia 1, Finnish type; MEGALOBLASTIC ANEMIA, 1. Identifiers: MedGen C4016819, MONDO:0100156, OMIM 261100.
CUBN-related disorder. Also called: CUBN-related condition.
Imerslund-Grasbeck syndrome. Also called: PERNICIOUS ANEMIA, JUVENILE, DUE TO SELECTIVE INTESTINAL MALABSORPTION OF VITAMIN B12, WITH PROTEINURIA; Megaloblastic anemia due to inborn errors of metabolism; ENTEROCYTE COBALAMIN MALABSORPTION; ENTEROCYTE INTRINSIC FACTOR RECEPTOR, DEFECT OF; Imerslund-Gräsbeck syndrome. Identifiers: Orphanet 35858, MedGen C4551825, MONDO:0009853.

Allele frequency attached by ClinVar (database versions not stated): ExAC 0.00018; gnomAD exomes 0.00011 and 0.00019; 1000 Genomes Project 30x 0.00016; gnomAD 0.00032 and 0.00031; 1000 Genomes Project 0.00020; ESP Exome Variant Server 0.00038.
gnomAD v4.1: 214 of 1,613,752 alleles (0.013%); highest among the groups gnomAD compares: African/African-American, 0.06%; no homozygotes.

Submissions (4):

GeneDx
Classification: Uncertain significance. Last evaluated: 2024-08-07. Review status: criteria provided, single submitter. Criteria: GeneDx Variant Classification Process June 2021. Collection method: clinical testing. Allele origin: germline. Affected: yes.
Comment: In silico analysis indicates that this missense variant does not alter protein structure/function; Has not been previously published as pathogenic or benign to our knowledge

Fulgent Genetics
Classification: Uncertain significance for Imerslund-Grasbeck syndrome type 1; Proteinuria, chronic benign. Last evaluated: 2024-06-18. Review status: criteria provided, single submitter. Criteria: ACMG Guidelines, 2015. Collection method: clinical testing. Allele origin: germline.

Labcorp Genetics (formerly Invitae), Labcorp
Classification: Uncertain significance for Imerslund-Grasbeck syndrome. Last evaluated: 2024-02-23. Review status: criteria provided, single submitter. Criteria: Invitae Variant Classification Sherloc (09022015). Collection method: clinical testing. Allele origin: germline.
Comment: This sequence change replaces arginine, which is basic and polar, with threonine, which is neutral and polar, at codon 264 of the CUBN protein (p.Arg264Thr). This variant is present in population databases (rs144440300, gnomAD 0.2%). This variant has not been reported in the literature in individuals affected with CUBN-related conditions. ClinVar contains an entry for this variant (Variation ID: 1461620). Advanced modeling of protein sequence and biophysical properties (such as structural, functional, and spatial information, amino acid conservation, physicochemical variation, residue mobility, and thermodynamic stability) performed at Invitae indicates that this missense variant is not expected to disrupt CUBN protein function with a negative predictive value of 80%. In summary, the available evidence is currently insufficient to determine the role of this variant in disease. Therefore, it has been classified as a Variant of Uncertain Significance.

PreventionGenetics, part of Exact Sciences
Classification: Likely benign for CUBN-related condition. Last evaluated: 2024-03-13. Review status: no assertion criteria provided. Collection method: clinical testing. Allele origin: germline. Not counted in ClinVar's aggregate classification.
Comment: This variant is classified as likely benign based on ACMG/AMP sequence variant interpretation guidelines (Richards et al. 2015 PMID: 25741868, with internal and published modifications).

NM_001081.4(CUBN):c.791G>C (p.Arg264Thr)

Gene: CUBN (cubilin; minus strand). Cytogenetic location: 10p13.
Variant type: single nucleotide variant.
Coding change: c.791G>C on transcript NM_001081.4 (MANE Select); coding-DNA position 791, G replaced by C.
Protein change: p.Arg264Thr; replaces arginine 264 with threonine.
Molecular consequence: missense variant.
Genome position (GRCh38, 1-based): chr10:17,114,119, C>G on the plus strand (G>C on the coding strand, the complement: CUBN is on the minus strand). VCF-style: chr10-17114119-C-G. GRCh37 (hg19) VCF-style: chr10-17156118-C-G.
Other names: c.791G>C (NM_001081.3); short protein forms R264T.
Identifiers: ClinVar variation 1461620 (VCV001461620.9), dbSNP rs144440300, ClinGen allele CA5425503.